The following is an entry in ClinVar:

ClinVar aggregate classification (germline): Uncertain significance (1 of 4 stars; one submission).

Conditions:
Progressive microcephaly-seizures-cortical blindness-developmental delay syndrome. Also called: Seizures, cortical blindness, and microcephaly syndrome. Identifiers: Orphanet 477814, MedGen C5567650, MONDO:0014714, OMIM 616632.
Autosomal dominant nonsyndromic hearing loss 1. Also called: DEAFNESS, AUTOSOMAL DOMINANT 1, WITH OR WITHOUT THROMBOCYTOPENIA; KONIGSMARK SYNDROME. Identifiers: Orphanet 90635, MedGen C1852282, MONDO:0007424, OMIM 124900.

Submission:

Labcorp Genetics (formerly Invitae), Labcorp
Classification: Uncertain significance for Progressive microcephaly-seizures-cortical blindness-developmental delay syndrome; Autosomal dominant nonsyndromic hearing loss 1. Last evaluated: 2024-10-15. Review status: criteria provided, single submitter. Criteria: Invitae Variant Classification Sherloc (09022015). Collection method: clinical testing. Allele origin: germline.
Comment: This sequence change replaces glutamine, which is neutral and polar, with lysine, which is basic and polar, at codon 85 of the DIAPH1 protein (p.Gln85Lys). This variant is not present in population databases (gnomAD no frequency). This variant has not been reported in the literature in individuals affected with DIAPH1-related conditions. ClinVar contains an entry for this variant (Variation ID: 1395927). Experimental studies and prediction algorithms are not available or were not evaluated, and the functional significance of this variant is currently unknown. In summary, the available evidence is currently insufficient to determine the role of this variant in disease. Therefore, it has been classified as a Variant of Uncertain Significance.

NM_005219.5(DIAPH1):c.253C>A (p.Gln85Lys)

Gene: DIAPH1 (diaphanous related formin 1; minus strand). Cytogenetic location: 5q31.3.
Variant type: single nucleotide variant.
Coding change: c.253C>A on transcript NM_005219.5 (MANE Select); coding-DNA position 253, C replaced by A.
Protein change: p.Gln85Lys; replaces glutamine 85 with lysine.
Molecular consequence: missense variant.
Genome position (GRCh38, 1-based): chr5:141,587,089, G>T on the plus strand (C>A on the coding strand, the complement: DIAPH1 is on the minus strand). VCF-style: chr5-141587089-G-T. GRCh37 (hg19) VCF-style: chr5-140966656-G-T.
Other names: c.226C>A, p.Gln76Lys (NM_001079812.3); c.253C>A, p.Gln85Lys (NM_001314007.2); short protein forms Q85K, Q76K.
Identifiers: ClinVar variation 1395927 (VCV001395927.6), dbSNP rs2154596689, ClinGen allele CA361546396.